The following is an entry in ClinVar:

ClinVar aggregate classification (germline): Uncertain significance (1 of 4 stars; one submission).

Conditions:
Cardiovascular phenotype. Identifiers: MedGen CN230736.

Submission:

Ambry Genetics
Classification: Uncertain significance for Cardiovascular phenotype. Last evaluated: 2025-12-02. Review status: criteria provided, single submitter. Criteria: Ambry Variant Classification Scheme 2023. Collection method: clinical testing. Allele origin: germline.
Comment: The p.E244Q variant (also known as c.730G>C), located in coding exon 7 of the SPRED1 gene, results from a G to C substitution at nucleotide position 730. The glutamic acid at codon 244 is replaced by glutamine, an amino acid with highly similar properties. This amino acid position is conserved. In addition, the in silico prediction for this alteration is inconclusive. Based on the available evidence, the clinical significance of this variant remains unclear.

NM_152594.3(SPRED1):c.730G>C (p.Glu244Gln)

Gene: SPRED1 (sprouty related EVH1 domain containing 1; plus strand). Cytogenetic location: 15q14.
Variant type: single nucleotide variant.
Coding change: c.730G>C on transcript NM_152594.3 (MANE Select); coding-DNA position 730, G replaced by C.
Protein change: p.Glu244Gln; replaces glutamic acid 244 with glutamine.
Molecular consequence: missense variant.
Genome position (GRCh38, 1-based): chr15:38,351,059, G>C. VCF-style: chr15-38351059-G-C. GRCh37 (hg19) VCF-style: chr15-38643260-G-C.
Other names: short protein forms E244Q.
Identifiers: ClinVar variation 4615046 (VCV004615046.1).